The following is an entry in ClinVar:

ClinVar aggregate classification (germline): Uncertain significance (1 of 4 stars; one submission).

Submission:

Ambry Genetics
Classification: Uncertain significance. Last evaluated: 2025-08-10. Review status: criteria provided, single submitter. Criteria: Ambry Variant Classification Scheme 2023. Collection method: clinical testing. Allele origin: germline.
Comment: The p.A1715S variant (also known as c.5143G>T), located in coding exon 22 of the WNK2 gene, results from a G to T substitution at nucleotide position 5143. The alanine at codon 1715 is replaced by serine, an amino acid with similar properties. This amino acid position is conserved. In addition, this alteration is predicted to be tolerated by in silico analysis. Based on the available evidence, the clinical significance of this variant remains unclear.

NM_006648.4(WNK2):c.5143G>T (p.Ala1715Ser)

Gene: WNK2 (WNK lysine deficient protein kinase 2; plus strand). Cytogenetic location: 9q22.31.
Variant type: single nucleotide variant.
Coding change: c.5143G>T on transcript NM_006648.4 (MANE Select); coding-DNA position 5143, G replaced by T.
Protein change: p.Ala1715Ser; replaces alanine 1715 with serine.
Molecular consequence: missense variant.
Genome position (GRCh38, 1-based): chr9:93,292,608, G>T. VCF-style: chr9-93292608-G-T. GRCh37 (hg19) VCF-style: chr9-96054890-G-T.
Other names: c.5254G>T, p.Ala1752Ser (NM_001282394.3); short protein forms A1715S, A1752S.
Identifiers: ClinVar variation 4201735 (VCV004201735.1).
Genomic context (GRCh38, chr9:93,292,608, plus strand): 5'-GAAGCTGGAGAAAGCTCGGCAGAGCCCCCGCCGAGTGACATGGGCACAGTGGGGGGCCAG[G>T]CTAGCCACCCCCAGACACTCGGCGCTCGAGCTTTGGGGTCCCCTCGGAAACGTCCAGAGC-3'
Protein context (NP_006639.3, residues 1705-1725): PSDMGTVGGQ[Ala1715Ser]SHPQTLGARA